The following is an entry in ClinVar:

NM_030962.4(SBF2):c.728C>A (p.Ser243Tyr)

Gene: SBF2 (SET binding factor 2; minus strand). Cytogenetic location: 11p15.4.
Variant type: single nucleotide variant.
Coding change: c.728C>A on transcript NM_030962.4 (MANE Select); coding-DNA position 728, C replaced by A.
Protein change: p.Ser243Tyr; replaces serine 243 with tyrosine.
Molecular consequence: missense variant.
Genome position (GRCh38, 1-based): chr11:10,002,581, G>T on the plus strand (C>A on the coding strand, the complement: SBF2 is on the minus strand). VCF-style: chr11-10002581-G-T. GRCh37 (hg19) VCF-style: chr11-10024128-G-T.
Other names: c.728C>A, p.Ser243Tyr (NM_001386339.1, NM_001386342.1); short protein forms S243Y.
Identifiers: ClinVar variation 1512023 (VCV001512023.5), dbSNP rs2134513972, ClinGen allele CA379643387.
Genomic context (GRCh38, chr11:10,002,581, plus strand): 5'-TTAGGAATAAATAAAATTAACAAATGAAAACCTCACCTATATTTAAGAGGAAACATTAAA[G>T]ATTCCAGGGCTCTACAAGCATCACTAAGTCTCTGGAAACTTGCAGAATGGAAGAGAACCT-3'
Protein context (NP_112224.1, residues 233-253): RLSDACRALE[Ser243Tyr]LMFPLKYSYP

ClinVar aggregate classification (germline): Uncertain significance (1 of 4 stars; one submission).

Conditions:
Charcot-Marie-Tooth disease type 4. Also called: Charcot-Marie-Tooth disease, type IV; Charcot-Marie-Tooth, Type 4. Identifiers: Orphanet 64749, MedGen C4082197, MONDO:0018995.

Submission:

Labcorp Genetics (formerly Invitae), Labcorp
Classification: Uncertain significance for Charcot-Marie-Tooth disease type 4. Last evaluated: 2021-09-24. Review status: criteria provided, single submitter. Criteria: Invitae Variant Classification Sherloc (09022015). Collection method: clinical testing. Allele origin: germline.
Comment: This sequence change replaces serine with tyrosine at codon 243 of the SBF2 protein (p.Ser243Tyr). The serine residue is moderately conserved and there is a large physicochemical difference between serine and tyrosine. This variant is not present in population databases (ExAC no frequency). This variant has not been reported in the literature in individuals with SBF2-related conditions. Algorithms developed to predict the effect of missense changes on protein structure and function are either unavailable or do not agree on the potential impact of this missense change (SIFT: "Deleterious"; PolyPhen-2: "Probably Damaging"; Align-GVGD: "Class C0"). In summary, the available evidence is currently insufficient to determine the role of this variant in disease. Therefore, it has been classified as a Variant of Uncertain Significance.